The following is an entry in ClinVar:

NM_000709.4(BCKDHA):c.253C>T (p.Gln85Ter)

Gene: BCKDHA (branched chain keto acid dehydrogenase E1 subunit alpha; plus strand). Cytogenetic location: 19q13.2.
Variant type: single nucleotide variant.
Coding change: c.253C>T on transcript NM_000709.4 (MANE Select); coding-DNA position 253, C replaced by T.
Protein change: p.Gln85Ter; replaces glutamine 85 with a stop codon.
Molecular consequence: nonsense.
Genome position (GRCh38, 1-based): chr19:41,410,781, C>T. VCF-style: chr19-41410781-C-T. GRCh37 (hg19) VCF-style: chr19-41916686-C-T.
Other names: c.253C>T, p.Gln85Ter (NM_001164783.2); short protein forms Q85*.
Identifiers: ClinVar variation 1726679 (VCV001726679.7), dbSNP rs2513452174, ClinGen allele CA406004912.

ClinVar aggregate classification (germline): Pathogenic/Likely pathogenic. Review status: criteria provided, multiple submitters, no conflicts (2 of 4 stars). 2 submissions from 2 submitters: Pathogenic (1); Likely pathogenic (1). Last evaluated 2023-12-11.

Conditions:
Maple syrup urine disease (MSUD). Identifiers: Orphanet 511, MedGen C0024776, MeSH D008375, MONDO:0009563. Disease mechanism: loss of function.

Submissions (2):

Labcorp Genetics (formerly Invitae), Labcorp
Classification: Pathogenic for Maple syrup urine disease. Last evaluated: 2023-12-11. Review status: criteria provided, single submitter. Criteria: Invitae Variant Classification Sherloc (09022015). Collection method: clinical testing. Allele origin: germline.
Comment: This sequence change creates a premature translational stop signal (p.Gln85*) in the BCKDHA gene. It is expected to result in an absent or disrupted protein product. Loss-of-function variants in BCKDHA are known to be pathogenic (PMID: 16786533, 22593002). This variant is not present in population databases (gnomAD no frequency). This variant has not been reported in the literature in individuals affected with BCKDHA-related conditions. ClinVar contains an entry for this variant (Variation ID: 1726679). Algorithms developed to predict the effect of sequence changes on RNA splicing suggest that this variant may disrupt the consensus splice site. For these reasons, this variant has been classified as Pathogenic.

Myriad Genetics, Inc.
Classification: Likely pathogenic for Maple syrup urine disease type 1A. Last evaluated: 2021-12-30. Review status: criteria provided, single submitter. Criteria: Myriad Women's Health Autosomal Recessive and X-Linked Classification Criteria (2021). Collection method: clinical testing. Allele origin: unknown.
Comment: NM_000709.3(BCKDHA):c.253C>T(Q85*) is expected to be pathogenic in the context of maple syrup urine disease type Ia. This variant is predicted to lead to an abnormal or absent protein product due to the creation of a premature termination codon in BCKDHA, a gene where loss-of-function variants are known to be pathogenic. Please note: this variant was assessed in the context of healthy population screening.

Literature cited by the submitters: PubMed 16786533 (cited by Labcorp Genetics (formerly Invitae), Labcorp); PubMed 22593002 (cited by Labcorp Genetics (formerly Invitae), Labcorp).